The following is an entry in ClinVar:

NM_000135.4(FANCA):c.4015del (p.Leu1339fs)

Genes: FANCA (FA complementation group A; minus strand), ZNF276 (zinc finger protein 276; plus strand). Cytogenetic location: 16q24.3.
Variant type: Deletion.
Coding change: c.4015del on transcript NM_000135.4 (MANE Select); coding-DNA position 4015, one base deleted (C; older notation c.4015delC).
Protein change: p.Leu1339fs; shifts the reading frame from leucine 1339.
Molecular consequence: frameshift variant. On other transcripts: 3 prime UTR variant (2), non-coding transcript variant (4).
Genome position (GRCh38, 1-based): chr16:89,739,285, G deleted on the plus strand (C on the coding strand, the reverse complement: FANCA is on the minus strand). VCF-style (leftmost placement, unchanged base first): chr16-89739284-AG-A. GRCh37 (hg19) VCF-style: chr16-89805692-AG-A.
Other names: c.4015delC (NM_000135.3); c.4015del, p.Leu1339fs (NM_001286167.3); c.*1039del (NM_001113525.2, NM_152287.4); short protein forms L1339fs.
Identifiers: ClinVar variation 208638 (VCV000208638.28), dbSNP rs762902309, ClinGen allele CA276031.

ClinVar aggregate classification (germline): Pathogenic/Likely pathogenic. Review status: criteria provided, multiple submitters, no conflicts (2 of 4 stars). 11 submissions from 11 submitters: Pathogenic (8); Likely pathogenic (1). 2 of the submissions do not count toward it. Last evaluated 2025-10-27.

Conditions:
FANCA-related disorders.
Fanconi anemia (FA). Also called: Fanconi's anemia. Identifiers: Orphanet 84, MedGen C0015625, MeSH D005199, MONDO:0019391.
Fanconi anemia complementation group A (FANCA). Also called: Fanconi anemia, group A; FANCA-Related Fanconi Anemia. Identifiers: Orphanet 84, MedGen C3469521, MONDO:0009215, OMIM 227650.

Allele frequency attached by ClinVar (database versions not stated): ExAC 0.00001; gnomAD exomes 0.00001; gnomAD 0.00003 and 0.00004; TOPMed 0.00003; ESP Exome Variant Server 0.00008.

Submissions (11):

Labcorp Genetics (formerly Invitae), Labcorp
Classification: Pathogenic for Fanconi anemia. Last evaluated: 2025-10-27. Review status: criteria provided, single submitter. Criteria: Invitae Variant Classification Sherloc (09022015). Collection method: clinical testing. Allele origin: germline.
Comment: This sequence change creates a premature translational stop signal (p.Leu1339Serfs*24) in the FANCA gene. It is expected to result in an absent or disrupted protein product. Loss-of-function variants in FANCA are known to be pathogenic (PMID: 19367192). This variant is not present in population databases (gnomAD no frequency). This premature translational stop signal has been observed in individual(s) with Fanconi anemia or breast cancer (PMID: 10521298, 26296701, 29098742). ClinVar contains an entry for this variant (Variation ID: 208638). For these reasons, this variant has been classified as Pathogenic.

Natera, Inc.
Classification: Pathogenic for Fanconi anemia. Last evaluated: 2025-08-25. Review status: criteria provided, single submitter. Criteria: Natera Variant Classification Schema (03/2026). Collection method: clinical testing. Allele origin: germline.
Comment: The c.4015delC variant in FANCA is a frameshift variant predicted to shift the reading frame beginning at codon 1339 and leads to a stop codon 24 codons downstream. This variant is expected to result in nonsense mediated decay, truncation, or a dysfunctional protein product. This variant is rare in the general population with a frequency below the threshold expected for the associated phenotype(s). This variant has been observed in one or more individuals affected with the associated recessive disease, as either homozygous or compound heterozygous with a second variant (PMID: 10521298, 29098742). Given the available evidence, this variant is classified as Pathogenic.

GeneDx
Classification: Pathogenic. Last evaluated: 2025-07-02. Review status: criteria provided, single submitter. Criteria: GeneDx Variant Classification Process June 2021. Collection method: clinical testing. Allele origin: germline. Affected: yes.
Comment: Observed with a second variant in unrelated patients with Fanconi anemia in the published literature, but it is not known whether the variants occurred on the same (in cis) or on different (in trans) chromosomes (PMID: 10521298, 29098742); Reported in the heterozygous state in an individual with breast cancer who tested negative for pathogenic variants in the BRCA1 and BRCA2 genes (PMID: 26296701); Frameshift variant predicted to result in protein truncation or nonsense mediated decay in a gene for which loss of function is a known mechanism of disease; Not observed at significant frequency in large population cohorts (gnomAD); This variant is associated with the following publications: (PMID: 33084842, 10521298, 29098742, 19367192, 26296701)

Fulgent Genetics
Classification: Pathogenic for Fanconi anemia complementation group A. Last evaluated: 2024-01-23. Review status: criteria provided, single submitter. Criteria: ACMG Guidelines, 2015. Collection method: clinical testing. Allele origin: germline.

St. Jude Molecular Pathology, St. Jude Children's Research Hospital
Classification: Pathogenic for Fanconi anemia complementation group A. Last evaluated: 2023-11-28. Review status: criteria provided, single submitter. Criteria: St. Jude Assertion Criteria 2020. Collection method: clinical testing. Allele origin: germline.
Comment: The FANCA c.4015del (p.Leu1339SerfsTer24) change deletes one nucleotide to cause a frameshift and the creation of a premature stop codon. This change is predicted to cause protein truncation or absence of protein due to nonsense-mediated decay. This variant has been reported in individuals with Fanconi anemia (PMID: 10521298, 29098742). This variant is absent in gnomAD v2.1.1. In summary, this variant meets criteria to be classified as pathogenic.

Baylor Genetics
Classification: Pathogenic for Fanconi anemia complementation group A. Last evaluated: 2023-08-29. Review status: criteria provided, single submitter. Criteria: ACMG Guidelines, 2015. Collection method: clinical testing. Allele origin: unknown.

Blueprint Genetics
Classification: Pathogenic for FANCA-related disorders. Last evaluated: 2022-10-28. Review status: criteria provided, single submitter. Criteria: ACMG Guidelines, 2015. Collection method: clinical testing. Allele origin: germline. Affected: yes. Observed: 4 variant alleles.

Revvity Omics, Revvity
Classification: Pathogenic for Fanconi anemia complementation group A. Last evaluated: 2020-10-09. Review status: criteria provided, single submitter. Criteria: ACMG Guidelines, 2015. Collection method: clinical testing. Allele origin: germline.

Center for Individualized Medicine, Mayo Clinic
Classification: Likely pathogenic for Fanconi anemia complementation group A. Last evaluated: 2014-01-01. Review status: criteria provided, single submitter. Criteria: ACMG Guidelines, 2007. Collection method: research. Allele origin: germline. Affected: no. Study: Breast Cancer Genome Guided Therapy Study (BEAUTY).

Leiden Open Variation Database
Classification: Pathogenic for Fanconi anemia complementation group A. Last evaluated: 2020-02-28. Review status: no assertion criteria provided. Collection method: curation. Allele origin: germline. Affected: yes. Not counted in ClinVar's aggregate classification.
Comment: Curator: Arleen D. Auerbach. Submitter to LOVD: Arleen D. Auerbach.

Counsyl
Classification: Likely pathogenic for Fanconi anemia complementation group A. Last evaluated: 2016-11-02. Review status: no assertion criteria provided. Collection method: clinical testing. Allele origin: unknown. Not counted in ClinVar's aggregate classification.

Literature cited by the submitters: PubMed 19367192 (cited by Labcorp Genetics (formerly Invitae), Labcorp); PubMed 10521298 (cited by 5 submitters); PubMed 26296701 (cited by Labcorp Genetics (formerly Invitae), Labcorp and Center for Individualized Medicine, Mayo Clinic); PubMed 29098742 (cited by Labcorp Genetics (formerly Invitae), Labcorp and Natera, Inc.).